The following is an entry in ClinVar:

NM_001172509.2(SATB2):c.1609A>G (p.Asn537Asp)

Gene: SATB2 (SATB homeobox 2; minus strand). Cytogenetic location: 2q33.1.
Variant type: single nucleotide variant.
Coding change: c.1609A>G on transcript NM_001172509.2 (MANE Select); coding-DNA position 1609, A replaced by G.
Protein change: p.Asn537Asp; replaces asparagine 537 with aspartic acid.
Molecular consequence: missense variant.
Genome position (GRCh38, 1-based): chr2:199,308,891, T>C on the plus strand (A>G on the coding strand, the complement: SATB2 is on the minus strand). VCF-style: chr2-199308891-T-C. GRCh37 (hg19) VCF-style: chr2-200173614-T-C.
Other names: c.1609A>G, p.Asn537Asp (NM_001172517.1, NM_015265.4); short protein forms N537D.
Identifiers: ClinVar variation 2507242 (VCV002507242.2), dbSNP rs2468839209, ClinGen allele CA350384536.
Genomic context (GRCh38, chr2:199,308,891, plus strand): 5'-CATAGATGACATCCCTCTCATGCTGGGGAAGGTTCAGGAAGCGACGGATGGTACAGAGGT[T>C]TTCCCAGAGGGTGCGGTTTTCTGGGCTTGGGTTCTCCTTCCAGCGGAGCAGTTCACACAG-3'
Protein context (NP_001165980.1, residues 527-547): PSPENRTLWE[Asn537Asp]LCTIRRFLNL

ClinVar aggregate classification (germline): Uncertain significance (1 of 4 stars; one submission).

Submission:

GeneDx
Classification: Uncertain significance. Last evaluated: 2024-06-11. Review status: criteria provided, single submitter. Criteria: GeneDx Variant Classification Process June 2021. Collection method: clinical testing. Allele origin: germline. Affected: yes.
Comment: Not observed at significant frequency in large population cohorts (gnomAD); In silico analysis supports that this missense variant has a deleterious effect on protein structure/function; Has not been previously published as pathogenic or benign to our knowledge